The following is an entry in ClinVar:

ClinVar aggregate classification (germline): Uncertain significance (1 of 4 stars; one submission).

Submission:

Labcorp Genetics (formerly Invitae), Labcorp
Classification: Uncertain significance. Last evaluated: 2021-07-03. Review status: criteria provided, single submitter. Criteria: Invitae Variant Classification Sherloc (09022015). Collection method: clinical testing. Allele origin: germline.
Comment: In summary, the available evidence is currently insufficient to determine the role of this variant in disease. Therefore, it has been classified as a Variant of Uncertain Significance. Algorithms developed to predict the effect of missense changes on protein structure and function output the following: SIFT: "Tolerated"; PolyPhen-2: "Benign"; Align-GVGD: "Class C0". The proline amino acid residue is found in multiple mammalian species, which suggests that this missense change does not adversely affect protein function. This variant has not been reported in the literature in individuals affected with ZHX3-related conditions. This variant is not present in population databases (ExAC no frequency). This sequence change replaces serine with proline at codon 703 of the ZHX3 protein (p.Ser703Pro). The serine residue is weakly conserved and there is a moderate physicochemical difference between serine and proline.

NM_001384317.1(ZHX3):c.2107T>C (p.Ser703Pro)

Gene: ZHX3 (zinc fingers and homeoboxes 3; minus strand). Cytogenetic location: 20q12.
Variant type: single nucleotide variant.
Coding change: c.2107T>C on transcript NM_001384317.1 (MANE Select); coding-DNA position 2107, T replaced by C.
Protein change: p.Ser703Pro; replaces serine 703 with proline.
Molecular consequence: missense variant.
Genome position (GRCh38, 1-based): chr20:41,202,810, A>G on the plus strand (T>C on the coding strand, the complement: ZHX3 is on the minus strand). VCF-style: chr20-41202810-A-G. GRCh37 (hg19) VCF-style: chr20-39831450-A-G.
Other names: c.2107T>C, p.Ser703Pro (NM_001384315.1, NM_001384316.1, NM_001384318.1 and 8 more transcripts); short protein forms S703P.
Identifiers: ClinVar variation 1365145 (VCV001365145.8), dbSNP rs2038353977, ClinGen allele CA409035519.